The following is an entry in ClinVar:

ClinVar aggregate classification (germline): Likely benign (0 of 4 stars; one submission).

Conditions:
REV3L-related disorder. Also called: REV3L-related condition.

Allele frequency attached by ClinVar (database versions not stated): TOPMed 0.00004; ESP Exome Variant Server 0.00008; gnomAD 0.00020; gnomAD exomes 0.00023; ExAC 0.00057; 1000 Genomes Project 0.00100; 1000 Genomes Project 30x 0.00109.
gnomAD v4.1: 367 of 1,614,124 alleles (0.023%); highest among the groups gnomAD compares: South Asian, 0.37%; 1 homozygote.

Submission:

PreventionGenetics, part of Exact Sciences
Classification: Likely benign for REV3L-related condition. Last evaluated: 2019-12-30. Review status: no assertion criteria provided. Collection method: clinical testing. Allele origin: germline.
Comment: This variant is classified as likely benign based on ACMG/AMP sequence variant interpretation guidelines (Richards et al. 2015 PMID: 25741868, with internal and published modifications).

NM_001372078.1(REV3L):c.9066G>A (p.Ser3022=)

Gene: REV3L (REV3 like, DNA directed polymerase zeta catalytic subunit; minus strand). Cytogenetic location: 6q21.
Variant type: single nucleotide variant.
Coding change: c.9066G>A on transcript NM_001372078.1 (MANE Select); coding-DNA position 9066, G replaced by A.
Protein change: p.Ser3022=; no amino-acid change (serine 3022 retained).
Molecular consequence: synonymous variant.
Genome position (GRCh38, 1-based): chr6:111,307,547, C>T on the plus strand (G>A on the coding strand, the complement: REV3L is on the minus strand). VCF-style: chr6-111307547-C-T. GRCh37 (hg19) VCF-style: chr6-111628750-C-T.
Other names: c.8832G>A, p.Ser2944= (NM_001286431.2, NM_001286432.2); c.9066G>A, p.Ser3022= (NM_002912.5).
Identifiers: ClinVar variation 3042556 (VCV003042556.2), dbSNP rs201353524, ClinGen allele CA3961101.